The following is an entry in ClinVar:

NM_004006.3(DMD):c.264+5G>C

Gene: DMD (dystrophin; minus strand). Cytogenetic location: Xp21.1.
Variant type: single nucleotide variant.
Coding change: c.264+5G>C on transcript NM_004006.3 (MANE Select); 5 bases into the intron after coding-DNA position 264, G replaced by C.
Molecular consequence: intron variant.
Genome position (GRCh38, 1-based): chrX:32,844,778, C>G on the plus strand (G>C on the coding strand, the complement: DMD is on the minus strand). VCF-style: chrX-32844778-C-G. GRCh37 (hg19) VCF-style: chrX-32862895-C-G.
Other names: c.240+5G>C (NM_000109.4); c.252+5G>C (NM_004009.3); c.-106+5G>C (NM_004010.3).
Identifiers: ClinVar variation 4710708 (VCV004710708.1), dbSNP rs398123902.
Genomic context (GRCh38, chrX:32,844,778, plus strand): 5'-GCCCTCACTCAAACATGAAGCATGCTGTGTCACAGCATCCAGACCTTGTCCAGGGTACTA[C>G]TTACATTATTGTTCTGCAAAACCCGCAGTGCCTTGTTGACATTGTTCAGGGCATGAACTC-3'

ClinVar aggregate classification (germline): Uncertain significance (1 of 4 stars; one submission).

Conditions:
Duchenne muscular dystrophy (DMD). Also called: MUSCULAR DYSTROPHY, PSEUDOHYPERTROPHIC PROGRESSIVE, DUCHENNE TYPE; Duchenne Muscular Dystrophy (DMD). Identifiers: Orphanet 98896, MedGen C0013264, MONDO:0010679, OMIM 310200.

Submission:

Labcorp Genetics (formerly Invitae), Labcorp
Classification: Uncertain significance for Duchenne muscular dystrophy. Last evaluated: 2025-06-22. Review status: criteria provided, single submitter. Criteria: Invitae Variant Classification Sherloc (09022015). Collection method: clinical testing. Allele origin: germline.
Comment: This sequence change falls in intron 4 of the DMD gene. It does not directly change the encoded amino acid sequence of the DMD protein. It affects a nucleotide within the consensus splice site. This variant is not present in population databases (gnomAD no frequency). This variant has been observed in individual(s) with DMD-related conditions (PMID: 17726484). Variants that disrupt the consensus splice site are a relatively common cause of aberrant splicing (PMID: 17576681, 9536098). Algorithms developed to predict the effect of sequence changes on RNA splicing suggest that this variant may disrupt the consensus splice site. In summary, the available evidence is currently insufficient to determine the role of this variant in disease. Therefore, it has been classified as a Variant of Uncertain Significance.

Literature cited by the submitters: PubMed 17726484; PubMed 17576681; PubMed 9536098.